The following is an entry in ClinVar:

ClinVar aggregate classification (germline): Uncertain significance (1 of 4 stars; one submission).

Submission:

Labcorp Genetics (formerly Invitae), Labcorp
Classification: Uncertain significance. Last evaluated: 2025-03-16. Review status: criteria provided, single submitter. Criteria: Invitae Variant Classification Sherloc (09022015). Collection method: clinical testing. Allele origin: germline.
Comment: This sequence change replaces leucine, which is neutral and non-polar, with proline, which is neutral and non-polar, at codon 141 of the FOCAD protein (p.Leu141Pro). This variant is not present in population databases (gnomAD no frequency). This variant has not been reported in the literature in individuals affected with FOCAD-related conditions. Experimental studies and prediction algorithms are not available or were not evaluated, and the functional significance of this variant is currently unknown. In summary, the available evidence is currently insufficient to determine the role of this variant in disease. Therefore, it has been classified as a Variant of Uncertain Significance.

NM_001375567.1(FOCAD):c.422T>C (p.Leu141Pro)

Gene: FOCAD (focadhesin; plus strand). Cytogenetic location: 9p21.3.
Variant type: single nucleotide variant.
Coding change: c.422T>C on transcript NM_001375567.1 (MANE Select); coding-DNA position 422, T replaced by C.
Protein change: p.Leu141Pro; replaces leucine 141 with proline.
Molecular consequence: missense variant.
Genome position (GRCh38, 1-based): chr9:20,758,119, T>C. VCF-style: chr9-20758119-T-C. GRCh37 (hg19) VCF-style: chr9-20758118-T-C.
Other names: c.422T>C, p.Leu141Pro (NM_001375568.1, NM_017794.5); c.317T>C, p.Leu106Pro (NM_001375570.1); short protein forms L106P, L141P.
Identifiers: ClinVar variation 4715152 (VCV004715152.1).